The following is an entry in ClinVar:

ClinVar aggregate classification (germline): Uncertain significance (1 of 4 stars; one submission).

Allele frequency attached by ClinVar (database versions not stated): gnomAD exomes below 0.00001.
gnomAD v4.1: 5 of 1,613,878 alleles (0.00031%); highest among the groups gnomAD compares: South Asian, 0.0044%; no homozygotes.

Submission:

Labcorp Genetics (formerly Invitae), Labcorp
Classification: Uncertain significance. Last evaluated: 2022-03-03. Review status: criteria provided, single submitter. Criteria: Invitae Variant Classification Sherloc (09022015). Collection method: clinical testing. Allele origin: germline.
Comment: In summary, the available evidence is currently insufficient to determine the role of this variant in disease. Therefore, it has been classified as a Variant of Uncertain Significance. Algorithms developed to predict the effect of missense changes on protein structure and function are either unavailable or do not agree on the potential impact of this missense change (SIFT: "Tolerated"; PolyPhen-2: "Possibly Damaging"; Align-GVGD: "Class C0"). ClinVar contains an entry for this variant (Variation ID: 1043016). This variant has not been reported in the literature in individuals affected with TOPORS-related conditions. This variant is not present in population databases (gnomAD no frequency). This sequence change replaces serine, which is neutral and polar, with glycine, which is neutral and non-polar, at codon 444 of the TOPORS protein (p.Ser444Gly).

NM_005802.5(TOPORS):c.1330A>G (p.Ser444Gly)

Gene: TOPORS (TOP1 binding arginine/serine rich protein, E3 ubiquitin ligase; minus strand). Cytogenetic location: 9p21.1.
Variant type: single nucleotide variant.
Coding change: c.1330A>G on transcript NM_005802.5 (MANE Select); coding-DNA position 1330, A replaced by G.
Protein change: p.Ser444Gly; replaces serine 444 with glycine.
Molecular consequence: missense variant.
Genome position (GRCh38, 1-based): chr9:32,543,195, T>C on the plus strand (A>G on the coding strand, the complement: TOPORS is on the minus strand). VCF-style: chr9-32543195-T-C. GRCh37 (hg19) VCF-style: chr9-32543193-T-C.
Other names: c.1135A>G, p.Ser379Gly (NM_001195622.2); short protein forms S444G, S379G.
Identifiers: ClinVar variation 1043016 (VCV001043016.8), dbSNP rs1821096085, ClinGen allele CA373170254.